The following is an entry in ClinVar:

ClinVar aggregate classification (germline): Likely benign. Review status: criteria provided, single submitter (1 of 4 stars). 2 submissions from 2 submitters: Likely benign (1). 1 of the submissions does not count toward it. Last evaluated 2024-08-20.

Conditions:
CTR9-related disorder. Also called: CTR9-related condition.

Allele frequency attached by ClinVar (database versions not stated): TOPMed 0.00005; ExAC 0.00010; gnomAD 0.00010 and 0.00011; gnomAD exomes 0.00010 and 0.00014.
gnomAD v4.1: 151 of 1,597,528 alleles (0.0095%); highest among the groups gnomAD compares: Non-Finnish European, 0.0081%; no homozygotes.

Submissions (2):

Labcorp Genetics (formerly Invitae), Labcorp
Classification: Likely benign. Last evaluated: 2024-08-20. Review status: criteria provided, single submitter. Criteria: Invitae Variant Classification Sherloc (09022015). Collection method: clinical testing. Allele origin: germline.

PreventionGenetics, part of Exact Sciences
Classification: Likely benign for CTR9-related condition. Last evaluated: 2024-01-17. Review status: no assertion criteria provided. Collection method: clinical testing. Allele origin: germline. Not counted in ClinVar's aggregate classification.
Comment: This variant is classified as likely benign based on ACMG/AMP sequence variant interpretation guidelines (Richards et al. 2015 PMID: 25741868, with internal and published modifications).

NM_014633.5(CTR9):c.2591G>A (p.Arg864His)

Gene: CTR9 (CTR9 component of Paf1/RNA polymerase II complex; plus strand). Cytogenetic location: 11p15.4.
Variant type: single nucleotide variant.
Coding change: c.2591G>A on transcript NM_014633.5 (MANE Select); coding-DNA position 2591, G replaced by A.
Protein change: p.Arg864His; replaces arginine 864 with histidine.
Molecular consequence: missense variant.
Genome position (GRCh38, 1-based): chr11:10,773,137, G>A. VCF-style: chr11-10773137-G-A. GRCh37 (hg19) VCF-style: chr11-10794684-G-A.
Other names: c.2591G>A (NM_014633.4); c.2519G>A, p.Arg840His (NM_001346279.2); short protein forms R840H, R864H.
Identifiers: ClinVar variation 1160422 (VCV001160422.11), dbSNP rs542399971, ClinGen allele CA5885370.